The following is an entry in ClinVar:

GRCh38/hg38 10q11.21(chr10:44752237-44835829)x3

Genes: TMEM72-AS1 (TMEM72 antisense RNA 1; minus strand), LOC129390167 (MPRA-validated peak937 silencer; plus strand), LOC129390168 (MPRA-validated peak938 silencer; plus strand). Cytogenetic location: 10q11.21.
Variant type: copy number gain.
Change: copy number 3 (three copies instead of two) of chr10:44,752,237-44,835,829 (83.6 kb, GRCh38 coordinates, 1-based), cytogenetic band 10q11.21.
Identifiers: ClinVar variation 145678 (VCV000145678.1).

ClinVar aggregate classification (germline): Benign/Likely benign (0 of 4 stars; one submission).

Submission:

GeneDx
Classification: Benign/Likely benign. Last evaluated: 2011-04-30. Review status: no assertion criteria provided. Collection method: clinical testing. Allele origin: not provided. Affected: yes. Observed: 10 variant alleles. Clinical features observed: Developmental delay AND/OR other significant developmental or morphological phenotypes.
Comment: Likely benign (1), Benign (9)